The following is an entry in ClinVar:

NM_173660.5(DOK7):c.1262C>A (p.Pro421His)

Gene: DOK7 (docking protein 7; plus strand). Cytogenetic location: 4p16.3.
Variant type: single nucleotide variant.
Coding change: c.1262C>A on transcript NM_173660.5 (MANE Select); coding-DNA position 1262, C replaced by A.
Protein change: p.Pro421His; replaces proline 421 with histidine.
Molecular consequence: missense variant. On other transcripts: 3 prime UTR variant (1).
Genome position (GRCh38, 1-based): chr4:3,493,248, C>A. VCF-style: chr4-3493248-C-A. GRCh37 (hg19) VCF-style: chr4-3494975-C-A.
Other names: c.*483C>A (NM_001164673.2); c.332C>A, p.Pro111His (NM_001256896.2); c.1262C>A, p.Pro421His (NM_001301071.2); c.830C>A, p.Pro277His (NM_001363811.2); short protein forms P421H, P111H, P277H.
Identifiers: ClinVar variation 465671 (VCV000465671.11), dbSNP rs373261147, ClinGen allele CA2829436.

ClinVar aggregate classification (germline): Uncertain significance. Review status: criteria provided, multiple submitters, no conflicts (2 of 4 stars). 4 submissions from 4 submitters: Uncertain significance (4). Last evaluated 2022-07-05.

Conditions:
Inborn genetic diseases. Identifiers: MedGen C0950123, MeSH D030342.
Fetal akinesia deformation sequence 1 (FADS1). Also called: Fetal akinesia sequence; Pena-Shokeir syndrome type I. Identifiers: Orphanet 994, MedGen C1276035, MONDO:0100101, OMIM 208150, HP:0001989.
Congenital myasthenic syndrome 10. Also called: Myasthenia, limb-girdle, familial. Identifiers: Orphanet 590, MedGen C1850792, MONDO:0009690, OMIM 254300.

Allele frequency attached by ClinVar (database versions not stated): gnomAD 0.00003; TOPMed 0.00007; ESP Exome Variant Server 0.00008; 1000 Genomes Project 30x 0.00031.
gnomAD v4.1: 88 of 1,611,954 alleles (0.0055%); highest among the groups gnomAD compares: Admixed American, 0.013%; no homozygotes.

Submissions (4):

Labcorp Genetics (formerly Invitae), Labcorp
Classification: Uncertain significance for Congenital myasthenic syndrome 10; Fetal akinesia deformation sequence 1. Last evaluated: 2022-07-05. Review status: criteria provided, single submitter. Criteria: Invitae Variant Classification Sherloc (09022015). Collection method: clinical testing. Allele origin: germline.
Comment: This sequence change replaces proline, which is neutral and non-polar, with histidine, which is basic and polar, at codon 421 of the DOK7 protein (p.Pro421His). This variant is present in population databases (rs373261147, gnomAD 0.006%). This variant has not been reported in the literature in individuals affected with DOK7-related conditions. ClinVar contains an entry for this variant (Variation ID: 465671). Algorithms developed to predict the effect of missense changes on protein structure and function (SIFT, PolyPhen-2, Align-GVGD) all suggest that this variant is likely to be tolerated. In summary, the available evidence is currently insufficient to determine the role of this variant in disease. Therefore, it has been classified as a Variant of Uncertain Significance.

Ambry Genetics
Classification: Uncertain significance for Inborn genetic diseases. Last evaluated: 2021-07-13. Review status: criteria provided, single submitter. Criteria: Ambry Variant Classification Scheme 2023. Collection method: clinical testing. Allele origin: germline.

Revvity Omics, Revvity
Classification: Uncertain significance. Last evaluated: 2019-06-11. Review status: criteria provided, single submitter. Criteria: ACMG Guidelines, 2015. Collection method: clinical testing. Allele origin: germline.

GeneDx
Classification: Uncertain significance. Last evaluated: 2019-05-13. Review status: criteria provided, single submitter. Criteria: GeneDx Variant Classification Process June 2021. Collection method: clinical testing. Allele origin: germline. Affected: yes.
Comment: Not observed at a significant frequency in large population cohorts (Lek et al., 2016); In silico analysis, which includes protein predictors and evolutionary conservation, supports that this variant does not alter protein structure/function; Has not been previously published as pathogenic or benign to our knowledge